The following is an entry in ClinVar:

ClinVar aggregate classification (germline): Benign (0 of 4 stars; one submission).

Conditions:
DIP2A-related disorder. Also called: DIP2A-related condition.

Allele frequency attached by ClinVar (database versions not stated): 1000 Genomes Project 30x 0.32792; 1000 Genomes Project 0.33167; TOPMed 0.35497; ESP Exome Variant Server 0.35504; gnomAD 0.35506; gnomAD exomes 0.42462; ExAC 0.44420.
gnomAD v4.1: 657,277 of 1,574,892 alleles (42%); highest among the groups gnomAD compares: Non-Finnish European, 44%; 140,247 homozygotes.

Submission:

PreventionGenetics, part of Exact Sciences
Classification: Benign for DIP2A-related condition. Last evaluated: 2019-10-17. Review status: no assertion criteria provided. Collection method: clinical testing. Allele origin: germline.
Comment: This variant is classified as benign based on ACMG/AMP sequence variant interpretation guidelines (Richards et al. 2015 PMID: 25741868, with internal and published modifications).

NM_015151.4(DIP2A):c.3249A>G (p.Thr1083=)

Gene: DIP2A (disco interacting protein 2 homolog A; plus strand). Cytogenetic location: 21q22.3.
Variant type: single nucleotide variant.
Coding change: c.3249A>G on transcript NM_015151.4 (MANE Select); coding-DNA position 3249, A replaced by G.
Protein change: p.Thr1083=; no amino-acid change (threonine 1083 retained).
Molecular consequence: synonymous variant.
Genome position (GRCh38, 1-based): chr21:46,554,669, A>G. VCF-style: chr21-46554669-A-G. GRCh37 (hg19) VCF-style: chr21-47974582-A-G.
Other names: c.3237A>G, p.Thr1079= (NM_001146116.2); c.3252A>G, p.Thr1084= (NM_001353942.2); c.3249A>G, p.Thr1083= (NM_001353943.2, NM_001410751.1).
Identifiers: ClinVar variation 3060309 (VCV003060309.2), dbSNP rs1107065, ClinGen allele CA10082730.